The following is an entry in ClinVar:

ClinVar aggregate classification (germline): Uncertain significance. Review status: criteria provided, multiple submitters, no conflicts (2 of 4 stars). 2 submissions from 2 submitters: Uncertain significance (2). Last evaluated 2025-12-02.

Conditions:
Inborn genetic diseases. Identifiers: MedGen C0950123, MeSH D030342.

gnomAD v4.1: 1 of 1,610,116 alleles (0.000062%); highest among the groups gnomAD compares: Admixed American, 0.0017%; no homozygotes.

Submissions (2):

Ambry Genetics
Classification: Uncertain significance for Inborn genetic diseases. Last evaluated: 2025-12-02. Review status: criteria provided, single submitter. Criteria: Ambry Variant Classification Scheme 2023. Collection method: clinical testing. Allele origin: germline.

Labcorp Genetics (formerly Invitae), Labcorp
Classification: Uncertain significance. Last evaluated: 2022-04-24. Review status: criteria provided, single submitter. Criteria: Invitae Variant Classification Sherloc (09022015). Collection method: clinical testing. Allele origin: germline.
Comment: This sequence change replaces arginine, which is basic and polar, with leucine, which is neutral and non-polar, at codon 348 of the TRAF3IP1 protein (p.Arg348Leu). This variant is not present in population databases (gnomAD no frequency). This variant has not been reported in the literature in individuals affected with TRAF3IP1-related conditions. Algorithms developed to predict the effect of missense changes on protein structure and function (SIFT, PolyPhen-2, Align-GVGD) all suggest that this variant is likely to be tolerated. Algorithms developed to predict the effect of sequence changes on RNA splicing suggest that this variant may disrupt the consensus splice site. In summary, the available evidence is currently insufficient to determine the role of this variant in disease. Therefore, it has been classified as a Variant of Uncertain Significance.

NM_015650.4(TRAF3IP1):c.1043G>T (p.Arg348Leu)

Gene: TRAF3IP1 (TRAF3 interacting protein 1; plus strand). Cytogenetic location: 2q37.3.
Variant type: single nucleotide variant.
Coding change: c.1043G>T on transcript NM_015650.4 (MANE Select); coding-DNA position 1043, G replaced by T.
Protein change: p.Arg348Leu; replaces arginine 348 with leucine.
Molecular consequence: missense variant.
Genome position (GRCh38, 1-based): chr2:238,334,015, G>T. VCF-style: chr2-238334015-G-T. GRCh37 (hg19) VCF-style: chr2-239242656-G-T.
Other names: c.1043G>T, p.Arg348Leu (NM_001139490.1); c.1043G>T (NM_015650.3); short protein forms R348L.
Identifiers: ClinVar variation 1436750 (VCV001436750.4), dbSNP rs369516358, ClinGen allele CA67984184.